The following is an entry in ClinVar:

ClinVar aggregate classification (germline): Likely pathogenic (1 of 4 stars; one submission).

Conditions:
Sessile serrated polyposis cancer syndrome (SSPCS). Identifiers: Orphanet 157798, MedGen C4310714, MONDO:0014919, OMIM 617108.

gnomAD v4.1: 1 of 1,613,394 alleles (0.000062%); highest among the groups gnomAD compares: Non-Finnish European, 0.000085%; no homozygotes.

Submission:

Myriad Genetics, Inc.
Classification: Likely pathogenic for Sessile serrated polyposis cancer syndrome. Last evaluated: 2025-12-16. Review status: criteria provided, single submitter. Criteria: Myriad Autosomal Dominant, Autosomal Recessive and X-Linked Classification Criteria (2023). Collection method: clinical testing. Allele origin: unknown.
Comment: This variant is considered likely pathogenic. This variant occurs within a consensus splice junction and is predicted to result in abnormal mRNA splicing of either an out-of-frame exon or an in-frame exon necessary for protein stability and/or normal function.

NM_017763.6(RNF43):c.582+1G>A

Gene: RNF43 (ring finger protein 43; minus strand). Cytogenetic location: 17q22.
Variant type: single nucleotide variant.
Coding change: c.582+1G>A on transcript NM_017763.6 (MANE Select); the canonical splice donor site of the intron after coding-DNA position 582, G replaced by A.
Molecular consequence: splice donor variant.
Genome position (GRCh38, 1-based): chr17:58,363,274, C>T on the plus strand (G>A on the coding strand, the complement: RNF43 is on the minus strand). VCF-style: chr17-58363274-C-T. GRCh37 (hg19) VCF-style: chr17-56440635-C-T.
Other names: c.582+1G>A (NM_001438822.1, NM_001305544.3, NM_001438820.1 and 1 more transcripts); c.201+1G>A (NM_001305545.2, NM_001437987.1).
Identifiers: ClinVar variation 4813021 (VCV004813021.1).